The following is an entry in ClinVar:

NM_012452.3(TNFRSF13B):c.25C>T (p.Arg9Ter)

Gene: TNFRSF13B (TNF receptor superfamily member 13B; minus strand). Cytogenetic location: 17p11.2.
Variant type: single nucleotide variant.
Coding change: c.25C>T on transcript NM_012452.3 (MANE Select); coding-DNA position 25, C replaced by T.
Protein change: p.Arg9Ter; replaces arginine 9 with a stop codon.
Molecular consequence: nonsense.
Genome position (GRCh38, 1-based): chr17:16,972,051, G>A on the plus strand (C>T on the coding strand, the complement: TNFRSF13B is on the minus strand). VCF-style: chr17-16972051-G-A. GRCh37 (hg19) VCF-style: chr17-16875365-G-A.
Other names: short protein forms R9*.
Identifiers: ClinVar variation 1422026 (VCV001422026.7), dbSNP rs1383649750, ClinGen allele CA398520647.

ClinVar aggregate classification (germline): Pathogenic/Likely pathogenic. Review status: criteria provided, multiple submitters, no conflicts (2 of 4 stars). 2 submissions from 2 submitters: Pathogenic (1); Likely pathogenic (1). Last evaluated 2021-11-19.

Conditions:
TNFRSF13B-related disorder. Also called: TNFRSF13B-related condition.
Immunodeficiency, common variable, 2 (CVID2). Also called: HYPOGAMMAGLOBULINEMIA DUE TO TACI DEFICIENCY; ANTIBODY DEFICIENCY DUE TO TACI DEFECT. Identifiers: Orphanet 1572, MedGen C3150354, MONDO:0009413, OMIM 240500.

Allele frequency attached by ClinVar (database versions not stated): gnomAD exomes below 0.00001.
gnomAD v4.1: 5 of 1,613,948 alleles (0.00031%); highest among the groups gnomAD compares: Middle Eastern, 0.016%; no homozygotes.

Submissions (2):

Blueprint Genetics
Classification: Likely pathogenic for TNFRSF13B-related disorders. Last evaluated: 2021-11-19. Review status: criteria provided, single submitter. Criteria: ACMG Guidelines, 2015. Collection method: clinical testing. Allele origin: germline. Affected: yes. Observed: 3 variant alleles.

Labcorp Genetics (formerly Invitae), Labcorp
Classification: Pathogenic for Immunodeficiency, common variable, 2. Last evaluated: 2021-11-09. Review status: criteria provided, single submitter. Criteria: Invitae Variant Classification Sherloc (09022015). Collection method: clinical testing. Allele origin: germline.
Comment: For these reasons, this variant has been classified as Pathogenic. This sequence change creates a premature translational stop signal (p.Arg9*) in the TNFRSF13B gene. It is expected to result in an absent or disrupted protein product. Loss-of-function variants in TNFRSF13B are known to be pathogenic (PMID: 16007087, 27123465). This variant is present in population databases (no rsID available, gnomAD 0.006%). This variant has not been reported in the literature in individuals affected with TNFRSF13B-related conditions. Algorithms developed to predict the effect of sequence changes on RNA splicing suggest that this variant may create or strengthen a splice site.

Literature cited by the submitters: PubMed 16007087 (cited by Labcorp Genetics (formerly Invitae), Labcorp); PubMed 27123465 (cited by Labcorp Genetics (formerly Invitae), Labcorp).